The following is an entry in ClinVar:

NM_007129.5(ZIC2):c.78GGC[2] (p.Ala31_Ala33del)

Gene: ZIC2 (Zic family zinc finger 2; plus strand). Cytogenetic location: 13q32.3.
Variant type: Microsatellite.
Coding change: c.78GGC[2] on transcript NM_007129.5 (MANE Select); two copies in a row of the 3-base unit GGC starting at c.78; the reference has five copies in a row; three copies, 9 bases deleted.
Protein change: p.Ala31_Ala33del.
Molecular consequence: inframe deletion.
Genome position (GRCh38, 1-based): chr13:99,982,148-99,982,156, GGCGGCGGC deleted; deleting any 9 consecutive bases within chr13:99,982,140-99,982,156 gives the same sequence; the position shown is the placement nearest the transcript's 3' end. VCF-style (leftmost placement, unchanged base first): chr13-99982139-CGCGGCGGCG-C. GRCh37 (hg19) VCF-style: chr13-100634393-CGCGGCGGCG-C.
Identifiers: ClinVar variation 1382984 (VCV001382984.8), dbSNP rs748109787, ClinGen allele CA7032773.

ClinVar aggregate classification (germline): Uncertain significance (1 of 4 stars; one submission).

Conditions:
Holoprosencephaly 5 (HPE5). Identifiers: Orphanet 2162, MedGen C1864827, MONDO:0012322, OMIM 609637.

Submission:

Labcorp Genetics (formerly Invitae), Labcorp
Classification: Uncertain significance for Holoprosencephaly 5. Last evaluated: 2021-07-27. Review status: criteria provided, single submitter. Criteria: Invitae Variant Classification Sherloc (09022015). Collection method: clinical testing. Allele origin: germline.
Comment: Experimental studies and prediction algorithms are not available or were not evaluated, and the functional significance of this variant is currently unknown. This variant, c.84_92del, results in the deletion of 3 amino acid(s) of the ZIC2 protein (p.Ala31_Ala33del), but otherwise preserves the integrity of the reading frame. The frequency data for this variant in the population databases is considered unreliable, as metrics indicate poor data quality at this position in the ExAC database. This variant has not been reported in the literature in individuals affected with ZIC2-related conditions. In summary, the available evidence is currently insufficient to determine the role of this variant in disease. Therefore, it has been classified as a Variant of Uncertain Significance.